The following is an entry in ClinVar:

NM_007294.4(BRCA1):c.1397G>A (p.Arg466Gln)

Gene: BRCA1 (BRCA1 DNA repair associated; minus strand). Cytogenetic location: 17q21.31.
Variant type: single nucleotide variant.
Coding change: c.1397G>A on transcript NM_007294.4 (MANE Select); coding-DNA position 1397, G replaced by A.
Protein change: p.Arg466Gln; replaces arginine 466 with glutamine.
Molecular consequence: missense variant. On other transcripts: intron variant (137).
Genome position (GRCh38, 1-based): chr17:43,094,134, C>T on the plus strand (G>A on the coding strand, the complement: BRCA1 is on the minus strand). VCF-style: chr17-43094134-C-T. GRCh37 (hg19) VCF-style: chr17-41246151-C-T.
Other names: p.R466Q:CGG>CAG; 1516G>A; c.1271G>A, p.Arg424Gln (NM_001407940.1, NM_001407649.1, NM_001407670.1 and 11 more transcripts); c.1064G>A, p.Arg355Gln (NM_001407950.1, NM_001407951.1, NM_001407952.1 and 6 more transcripts); c.1061G>A, p.Arg354Gln (NM_001407954.1, NM_001407955.1, NM_001407956.1 and 1 more transcripts); c.1016G>A, p.Arg339Gln (NM_001407959.1, NM_001407960.1, NM_001407963.1); c.1184G>A, p.Arg395Gln (NM_001407571.1, NM_001407896.1, NM_001407897.1 and 9 more transcripts); c.1397G>A, p.Arg466Gln (NM_001407581.1, NM_001407582.1, NM_001407583.1 and 30 more transcripts); and 42 more; short protein forms R466Q, R419Q, R170Q, R354Q, R395Q, R396Q, R398Q, R424Q.
Identifiers: ClinVar variation 91552 (VCV000091552.38), dbSNP rs199540030, ClinGen allele CA000940.

ClinVar aggregate classification (germline): Conflicting classifications of pathogenicity. Review status: criteria provided, conflicting classifications (1 of 4 stars). 17 submissions from 17 submitters: Uncertain significance (3); Benign (2); Likely benign (8). 4 of the submissions do not count toward it. Last evaluated 2025-11-18.

Conditions:
BRCA1-related disorder. Also called: BRCA1-related condition.
Malignant tumor of breast. Also called: Cancer breast; Malignant breast neoplasm. Identifiers: MedGen C0006142, MONDO:0007254. Disease mechanism: loss of function.
Breast-ovarian cancer, familial, susceptibility to, 1 (BROVCA1). Also called: BRCA1 Hereditary Breast and Ovarian Cancer; OVARIAN CANCER, SUSCEPTIBILITY TO. Identifiers: Orphanet 145, MedGen C2676676, MONDO:0011450, OMIM 604370. Disease mechanism: loss of function.
Hereditary cancer-predisposing syndrome. Also called: Hereditary Cancer Syndrome; Hereditary neoplastic syndrome; Neoplastic Syndromes, Hereditary; Tumor predisposition. Identifiers: Orphanet 140162, MedGen C0027672, MeSH D009386, MONDO:0015356.
Hereditary breast ovarian cancer syndrome. Also called: BRCA1- and BRCA2-Associated Hereditary Breast and Ovarian Cancer; Hereditary breast and ovarian cancer syndrome; Hereditary breast and ovarian cancer syndrome (HBOC); Breast and ovarian cancer; Hereditary breast and/or ovarian cancer syndrome; Hereditary breast and ovarian cancer. Identifiers: Orphanet 145, MedGen C0677776, MeSH D061325, MONDO:0003582. Disease mechanism: loss of function.

Allele frequency attached by ClinVar (database versions not stated): gnomAD exomes 0.00002 and 0.00001; TOPMed 0.00001; 1000 Genomes Project 0.00020; 1000 Genomes Project 30x 0.00031; gnomAD 0.00001; ExAC 0.00005.
gnomAD v4.1: 15 of 1,613,972 alleles (0.00093%); highest among the groups gnomAD compares: Middle Eastern, 0.016%; no homozygotes.

Submissions (17):

Labcorp Genetics (formerly Invitae), Labcorp
Classification: Likely benign for Hereditary breast ovarian cancer syndrome. Last evaluated: 2025-11-18. Review status: criteria provided, single submitter. Criteria: Invitae Variant Classification Sherloc (09022015). Collection method: clinical testing. Allele origin: germline.

PreventionGenetics, part of Exact Sciences
Classification: Likely benign for BRCA1-related condition. Last evaluated: 2025-07-25. Review status: criteria provided, single submitter. Criteria: ACMG Guidelines, 2015. Collection method: clinical testing. Allele origin: germline.
Comment: This variant is classified as likely benign based on ACMG/AMP sequence variant interpretation guidelines (Richards et al. 2015 PMID: 25741868, with internal and published modifications).

Institute for Biomarker Research, Medical Diagnostic Laboratories, L.L.C.
Classification: Benign for Hereditary breast ovarian cancer syndrome. Last evaluated: 2024-05-28. Review status: criteria provided, single submitter. Criteria: ACMG Guidelines, 2015. Collection method: clinical testing. Allele origin: germline.

University of Washington Department of Laboratory Medicine, University of Washington
Classification: Likely benign for Hereditary cancer-predisposing syndrome. Last evaluated: 2023-03-23. Review status: criteria provided, single submitter. Criteria: Dines et al. (Genet Med. 2020). Collection method: curation. Allele origin: germline.
Comment: Missense variant in a coldspot region where missense variants are very unlikely to be pathogenic (PMID:31911673).

BRCA1 coldspot (exon 11 using historical exon numbering). Reclassification based on statistical prior probability

Quest Diagnostics Nichols Institute San Juan Capistrano
Classification: Likely benign. Last evaluated: 2023-02-06. Review status: criteria provided, single submitter. Criteria: Quest Diagnostics criteria. Collection method: clinical testing. Allele origin: unknown.

Blueprint Genetics
Classification: Likely benign. Last evaluated: 2023-01-24. Review status: criteria provided, single submitter. Criteria: ACMG Guidelines, 2015. Collection method: clinical testing. Allele origin: germline.

Women's Health and Genetics/Laboratory Corporation of America, LabCorp
Classification: Likely benign. Last evaluated: 2022-09-18. Review status: criteria provided, single submitter. Criteria: LabCorp Variant Classification Summary - May 2015. Collection method: clinical testing. Allele origin: germline.
Comment: Variant summary: BRCA1 c.1397G>A (p.Arg466Gln) results in a conservative amino acid change located in the BRCA1, serine-rich domain (IPR025994) of the encoded protein sequence. Five of five in-silico tools predict a benign effect of the variant on protein function. The variant allele was found at a frequency of 2.4e-05 in 251102 control chromosomes. The available data on variant occurrences in the general population are insufficient to allow any conclusion about variant significance. c.1397G>A has been reported in the literature as a VUS in settings of a family with breast cancer and in individuals undergoing germline BRCA1/2 cancer testing (example, Zuntini_2018. Kim_2022). These report(s) do not provide unequivocal conclusions about association of the variant with Hereditary Breast And Ovarian Cancer Syndrome. At least one publication reports experimental evidence evaluating an impact on protein function (Bouwman_2020). These results showed no damaging effect of this variant on ability to complement BRCA1-deficient mouse embryonic stem cells in homologous recombination DNA repair (HRR) using cisplatin and olaparib sensitivity assays and a direct GFP HRR assay. Nine clinical diagnostic laboratories have submitted clinical-significance assessments for this variant to ClinVar after 2014 without evidence for independent evaluation. Multiple laboratories reported the variant with conflicting assessments (benign/likely benign, n=4; VUS, n=5). Based on the evidence outlined above, the variant was classified as likely benign.

Sema4
Classification: Uncertain significance for Hereditary cancer-predisposing syndrome. Last evaluated: 2021-05-17. Review status: criteria provided, single submitter. Criteria: Sema4 Curation Guidelines. Collection method: curation. Allele origin: germline.
Comment: The BRCA1 c.1397G>A (p.R466Q) variant has been reported in heterozygosity in at least one individual undergoing genetic testing for hereditary breast and ovarian cancer (PMID: 30254663). This variant was observed in 4/34546 chromosomes in the Latino population according to the Genome Aggregation Database (PMID: 32461654). This variant has been reported in ClinVar (Variation ID: 91552). Computational analyses and evolutionary conservation data do not provide strong support for or against an impact on the protein, though these predictions have not been confirmed by functional studies. Based on the current evidence available, this variant is interpreted as a variant of uncertain significance.

Mayo Clinic Laboratories, Mayo Clinic
Classification: Uncertain significance. Last evaluated: 2020-12-07. Review status: criteria provided, single submitter. Criteria: ACMG Guidelines, 2015. Collection method: clinical testing. Allele origin: germline. Observed: 1 variant allele.

Ambry Genetics
Classification: Likely benign for Hereditary cancer-predisposing syndrome. Last evaluated: 2019-05-09. Review status: criteria provided, single submitter. Criteria: Ambry Variant Classification Scheme 2023. Collection method: clinical testing. Allele origin: germline.

GeneDx
Classification: Likely benign. Last evaluated: 2018-07-27. Review status: criteria provided, single submitter. Criteria: GeneDx Variant Classification Process June 2021. Collection method: clinical testing. Allele origin: germline. Affected: yes.
Comment: This variant is associated with the following publications: (PMID: 28301460, 26941049)

Department of Pathology and Molecular Medicine, Queen's University
Classification: Uncertain significance. Last evaluated: 2017-04-20. Review status: criteria provided, single submitter. Criteria: ACMG Guidelines, 2015. Collection method: clinical testing. Allele origin: germline. Study: The Canadian Open Genetics Repository (COGR).

Color Diagnostics, LLC DBA Color Health
Classification: Benign for Hereditary cancer-predisposing syndrome. Last evaluated: 2016-11-14. Review status: criteria provided, single submitter. Criteria: ACMG Guidelines, 2015. Collection method: clinical testing. Allele origin: germline.

Department of Medical and Surgical Sciences, University of Bologna
Classification: Benign for Breast-ovarian cancer, familial, susceptibility to, 1. Last evaluated: 2023-09-01. Review status: no assertion criteria provided. Collection method: clinical testing. Allele origin: germline. Affected: yes. Not counted in ClinVar's aggregate classification.
Comment: BS1(Supporting)+BS3(Strong)+BP1(Strong) according to ACMG/AMP classification guidelines specified for BRCA1 & BRCA2 (Classification Criteria V1.0.0 2023-09-08) (PMID: 38160042)

Counsyl
Classification: Uncertain significance for Breast-ovarian cancer, familial, susceptibility to, 1. Last evaluated: 2015-11-17. Review status: no assertion criteria provided. Collection method: clinical testing. Allele origin: unknown. Not counted in ClinVar's aggregate classification.

Sharing Clinical Reports Project (SCRP)
Classification: Benign for Breast-ovarian cancer, familial 1. Last evaluated: 2012-03-16. Review status: no assertion criteria provided. Collection method: clinical testing. Allele origin: germline. Not counted in ClinVar's aggregate classification.

Department of Pathology and Laboratory Medicine, Sinai Health System
Classification: Uncertain significance for Malignant tumor of breast. Review status: no assertion criteria provided. Collection method: clinical testing. Allele origin: unknown. Affected: yes. Study: The Canadian Open Genetics Repository (COGR). Not counted in ClinVar's aggregate classification.
Comment: The BRCA1 p.Arg466Gln variant was identified in dbSNP (ID: rs199540030) â€šÃ„ÃºWith uncertain significance alleleâ€šÃ„Ã¹, UMD (1X as an unclassified variant), GeneInsight COGR database (classified with unknown significance by a clinical laboratory), and in the ClinVar database with conflicting classifications by three submitters (classified as benign by Sharing Clinical Reports Project, derived from Myriad reports; classified as likely benign by GeneDx; classified with uncertain significance by Ambry Genetics). The variant was identified in the 1000 Genomes project (1/5000 chromosomes, frequency 0.0002) and in the Exome Aggregation Consortium (ExAC) database (3/11576 Latino chromosomes, frequency: 0.00026; 3/66722 European (Non-Finnish) chromosomes, frequency: 0.00004); the presence of the variant at these low frequencies is not substantive enough to comment on the relationship of this variant to disease. The variant was not identified in the literature, nor was it identified in any other database searches including HGMD, LOVD, COSMIC, and BIC. The p.Arg466Gln residue is not conserved in mammals and other organisms, and four out of five computational analyses (PolyPhen-2, SIFT, AlignGVGD, BLOSUM, MutationTaster) do not suggest a high likelihood of impact to the protein; however, this information is not predictive enough to rule out pathogenicity. The variant occurs outside of the splicing consensus sequence. One of five in silico splicing prediction software programs (SpliceSiteFinder, MaxEntScan, NNSPLICE, GeneSplicer, HumanSpliceFinder) predict the potential creation of a cryptic 3â€šÃ„Ã´ splice site downstream of the variant but this information is not very predictive of pathogenicity. In summary, based on the above information, the clinical significance of this variant cannot be determined with certainty at this time. This variant is classified as a variant of unknown significance.

Literature cited by the submitters: PubMed 30212499 (cited by Quest Diagnostics Nichols Institute San Juan Capistrano and Women's Health and Genetics/Laboratory Corporation of America, LabCorp); PubMed 30254663 (cited by 3 submitters); PubMed 28301460 (cited by Quest Diagnostics Nichols Institute San Juan Capistrano and Women's Health and Genetics/Laboratory Corporation of America, LabCorp); PubMed 32546644 (cited by Quest Diagnostics Nichols Institute San Juan Capistrano and Women's Health and Genetics/Laboratory Corporation of America, LabCorp); PubMed 35681111 (cited by Quest Diagnostics Nichols Institute San Juan Capistrano and Women's Health and Genetics/Laboratory Corporation of America, LabCorp); PubMed 26941049 (cited by Quest Diagnostics Nichols Institute San Juan Capistrano); PubMed 33471991 (cited by Quest Diagnostics Nichols Institute San Juan Capistrano).